The following is an entry in ClinVar:

NM_000094.4(COL7A1):c.728C>T (p.Pro243Leu)

Gene: COL7A1 (collagen type VII alpha 1 chain; minus strand). Cytogenetic location: 3p21.31.
Variant type: single nucleotide variant.
Coding change: c.728C>T on transcript NM_000094.4 (MANE Select); coding-DNA position 728, C replaced by T.
Protein change: p.Pro243Leu; replaces proline 243 with leucine.
Molecular consequence: missense variant.
Genome position (GRCh38, 1-based): chr3:48,592,893, G>A on the plus strand (C>T on the coding strand, the complement: COL7A1 is on the minus strand). VCF-style: chr3-48592893-G-A. GRCh37 (hg19) VCF-style: chr3-48630326-G-A.
Other names: short protein forms P243L.
Identifiers: ClinVar variation 4776316 (VCV004776316.1).

ClinVar aggregate classification (germline): Uncertain significance (1 of 4 stars; one submission).

Submission:

Labcorp Genetics (formerly Invitae), Labcorp
Classification: Uncertain significance. Last evaluated: 2026-01-12. Review status: criteria provided, single submitter. Criteria: Invitae Variant Classification Sherloc (09022015). Collection method: clinical testing. Allele origin: germline.
Comment: This sequence change replaces proline, which is neutral and non-polar, with leucine, which is neutral and non-polar, at codon 243 of the COL7A1 protein (p.Pro243Leu). This variant is not present in population databases (gnomAD no frequency). This variant has not been reported in the literature in individuals affected with COL7A1-related conditions. Invitae Evidence Modeling of protein sequence and biophysical properties (such as structural, functional, and spatial information, amino acid conservation, physicochemical variation, residue mobility, and thermodynamic stability) indicates that this missense variant is not expected to disrupt COL7A1 protein function with a negative predictive value of 95%. In summary, the available evidence is currently insufficient to determine the role of this variant in disease. Therefore, it has been classified as a Variant of Uncertain Significance.